The following is an entry in ClinVar:

NM_001374736.1(DST):c.2405C>G (p.Ser802Cys)

Gene: DST (dystonin; minus strand). Cytogenetic location: 6p12.1.
Variant type: single nucleotide variant.
Coding change: c.2405C>G on transcript NM_001374736.1 (MANE Select); coding-DNA position 2405, C replaced by G.
Protein change: p.Ser802Cys; replaces serine 802 with cysteine.
Molecular consequence: missense variant.
Genome position (GRCh38, 1-based): chr6:56,640,228, G>C on the plus strand (C>G on the coding strand, the complement: DST is on the minus strand). VCF-style: chr6-56640228-G-C. GRCh37 (hg19) VCF-style: chr6-56505026-G-C.
Other names: c.2306C>G, p.Ser769Cys (NM_001144769.5); c.1892C>G, p.Ser631Cys (NM_001144770.2); c.2405C>G, p.Ser802Cys (NM_001374722.1); c.1772C>G, p.Ser591Cys (NM_001374729.1, NM_001374730.1, NM_001386100.1 and 1 more transcripts); c.2432C>G, p.Ser811Cys (NM_001374734.1); c.794C>G, p.Ser265Cys (NM_001723.7, NM_015548.5); short protein forms S802C, S811C, S265C, S769C, S591C, S631C.
Identifiers: ClinVar variation 1403297 (VCV001403297.8), dbSNP rs762960871, ClinGen allele CA3871432.
Genomic context (GRCh38, chr6:56,640,228, plus strand): 5'-AGATCCTGAACAAATTTCATATTGATTTCTTCTTCTGTTAAATTTTGATCCAGCAAAGAA[G>C]ACTTTAGAAGGGGTTTTCGGATCTGCATCAACTTCAAAGTTTGCAATGAATTTGGCTCTA-3'
Protein context (NP_001361665.1, residues 792-812): LMQIRKPLLK[Ser802Cys]SLLDQNLTEE

ClinVar aggregate classification (germline): Uncertain significance (1 of 4 stars; one submission).

Conditions:
Epidermolysis bullosa simplex 3, localized or generalized intermediate, with BP230 deficiency (EBS3). Also called: Epidermolysis bullosa simplex, autosomal recessive 2; Epidermolysis bullosa simplex due to BP230 deficiency. Identifiers: Orphanet 412181, MedGen C3809470, MONDO:0014180, OMIM 615425.
Hereditary sensory and autonomic neuropathy type 6. Also called: HSAN VI; Neuropathy, hereditary sensory and autonomic, type VI. Identifiers: Orphanet 314381, MedGen C3539003, MONDO:0013839, OMIM 614653.

Allele frequency attached by ClinVar (database versions not stated): gnomAD exomes below 0.00001; ExAC 0.00001.
gnomAD v4.1: 1 of 1,614,158 alleles (0.000062%); highest among the groups gnomAD compares: Non-Finnish European, 0.000085%; no homozygotes.

Submission:

Labcorp Genetics (formerly Invitae), Labcorp
Classification: Uncertain significance for Epidermolysis bullosa simplex 3, localized or generalized intermediate, with BP230 deficiency; Hereditary sensory and autonomic neuropathy type 6. Last evaluated: 2022-09-01. Review status: criteria provided, single submitter. Criteria: Invitae Variant Classification Sherloc (09022015). Collection method: clinical testing. Allele origin: germline.
Comment: In summary, the available evidence is currently insufficient to determine the role of this variant in disease. Therefore, it has been classified as a Variant of Uncertain Significance. This sequence change replaces serine, which is neutral and polar, with cysteine, which is neutral and slightly polar, at codon 265 of the DST protein (p.Ser265Cys). The frequency data for this variant in the population databases is considered unreliable, as metrics indicate poor data quality at this position in the gnomAD database. This variant has not been reported in the literature in individuals affected with DST-related conditions. ClinVar contains an entry for this variant (Variation ID: 1403297). Algorithms developed to predict the effect of missense changes on protein structure and function (SIFT, PolyPhen-2, Align-GVGD) all suggest that this variant is likely to be disruptive.